The following is an entry in ClinVar:

ClinVar aggregate classification (germline): Uncertain significance. Review status: criteria provided, multiple submitters, no conflicts (2 of 4 stars). 2 submissions from 2 submitters: Uncertain significance (2). Last evaluated 2023-05-17.

Conditions:
Inborn genetic diseases. Identifiers: MedGen C0950123, MeSH D030342.
Dyskeratosis congenita. Identifiers: Orphanet 1775, MedGen C0265965, MONDO:0015780.

Allele frequency attached by ClinVar (database versions not stated): ExAC 0.00001; gnomAD 0.00001; gnomAD exomes 0.00002.
gnomAD v4.1: 28 of 1,613,608 alleles (0.0017%); highest among the groups gnomAD compares: Non-Finnish European, 0.0023%; no homozygotes.

Submissions (2):

Ambry Genetics
Classification: Uncertain significance for Inborn genetic diseases. Last evaluated: 2023-05-17. Review status: criteria provided, single submitter. Criteria: Ambry Variant Classification Scheme 2023. Collection method: clinical testing. Allele origin: germline.

Labcorp Genetics (formerly Invitae), Labcorp
Classification: Uncertain significance for Dyskeratosis congenita. Last evaluated: 2022-02-01. Review status: criteria provided, single submitter. Criteria: Invitae Variant Classification Sherloc (09022015). Collection method: clinical testing. Allele origin: germline.
Comment: In summary, the available evidence is currently insufficient to determine the role of this variant in disease. Therefore, it has been classified as a Variant of Uncertain Significance. Algorithms developed to predict the effect of missense changes on protein structure and function output the following: SIFT: "Tolerated"; PolyPhen-2: "Benign"; Align-GVGD: "Class C0". The glutamine amino acid residue is found in multiple mammalian species, which suggests that this missense change does not adversely affect protein function. ClinVar contains an entry for this variant (Variation ID: 1058776). This variant has not been reported in the literature in individuals affected with CTC1-related conditions. This variant is present in population databases (rs759485791, gnomAD 0.006%). This sequence change replaces arginine, which is basic and polar, with glutamine, which is neutral and polar, at codon 966 of the CTC1 protein (p.Arg966Gln).

NM_025099.6(CTC1):c.2897G>A (p.Arg966Gln)

Gene: CTC1 (CST telomere replication complex component 1; minus strand). Cytogenetic location: 17p13.1.
Variant type: single nucleotide variant.
Coding change: c.2897G>A on transcript NM_025099.6 (MANE Select); coding-DNA position 2897, G replaced by A.
Protein change: p.Arg966Gln; replaces arginine 966 with glutamine.
Molecular consequence: missense variant. On other transcripts: non-coding transcript variant (1).
Genome position (GRCh38, 1-based): chr17:8,230,330, C>T on the plus strand (G>A on the coding strand, the complement: CTC1 is on the minus strand). VCF-style: chr17-8230330-C-T. GRCh37 (hg19) VCF-style: chr17-8133648-C-T.
Other names: c.2897G>A (NM_025099.5); short protein forms R966Q.
Identifiers: ClinVar variation 1058776 (VCV001058776.6), dbSNP rs759485791, ClinGen allele CA8371950.